The following is an entry in ClinVar:

NM_001267550.2(TTN):c.102551A>C (p.Glu34184Ala)

Genes: TTN (titin; minus strand), TTN-AS1 (TTN antisense RNA 1; plus strand). Cytogenetic location: 2q31.2.
Variant type: single nucleotide variant.
Coding change: c.102551A>C on transcript NM_001267550.2 (MANE Select); coding-DNA position 102551, A replaced by C.
Protein change: p.Glu34184Ala; replaces glutamic acid 34184 with alanine.
Molecular consequence: missense variant.
Genome position (GRCh38, 1-based): chr2:178,534,064, T>G on the plus strand (A>C on the coding strand, the complement: TTN is on the minus strand). VCF-style: chr2-178534064-T-G. GRCh37 (hg19) VCF-style: chr2-179398791-T-G.
Other names: c.97628A>C, p.Glu32543Ala (NM_001256850.1); c.75356A>C, p.Glu25119Ala (NM_003319.4); c.94847A>C, p.Glu31616Ala (NM_133378.4); c.75731A>C, p.Glu25244Ala (NM_133432.3); c.75932A>C, p.Glu25311Ala (NM_133437.4); short protein forms E31616A, E34184A, E25244A, E32543A, E25119A, E25311A.
Identifiers: ClinVar variation 1503531 (VCV001503531.6), dbSNP rs920777916, ClinGen allele CA60959150.

ClinVar aggregate classification (germline): Uncertain significance (1 of 4 stars; one submission).

Conditions:
Dilated cardiomyopathy 1G (CMD1G). Identifiers: Orphanet 154, MedGen C1858763, MONDO:0011400, OMIM 604145.
Autosomal recessive limb-girdle muscular dystrophy type 2J (LGMDR10). Also called: MUSCULAR DYSTROPHY, LIMB-GIRDLE, AUTOSOMAL RECESSIVE 10; Limb-girdle muscular dystrophy, type 2J. Identifiers: Orphanet 140922, MedGen C1837342, MONDO:0012127, OMIM 608807.

Allele frequency attached by ClinVar (database versions not stated): gnomAD exomes below 0.00001.
gnomAD v4.1: 1 of 1,613,970 alleles (0.000062%); highest among the groups gnomAD compares: Admixed American, 0.0017%; no homozygotes.

Submission:

Labcorp Genetics (formerly Invitae), Labcorp
Classification: Uncertain significance for Dilated cardiomyopathy 1G; Autosomal recessive limb-girdle muscular dystrophy type 2J. Last evaluated: 2022-06-01. Review status: criteria provided, single submitter. Criteria: Invitae Variant Classification Sherloc (09022015). Collection method: clinical testing. Allele origin: germline.
Comment: In summary, the available evidence is currently insufficient to determine the role of this variant in disease. Therefore, it has been classified as a Variant of Uncertain Significance. This variant is located in the M band of TTN (PMID: 25589632). Variants in this region may be relevant for neuromuscular disorders, but have not been definitively shown to cause cardiomyopathy (PMID: 23975875). Experimental studies and prediction algorithms are not available or were not evaluated, and the functional significance of this variant is currently unknown. ClinVar contains an entry for this variant (Variation ID: 1503531). This variant has not been reported in the literature in individuals affected with TTN-related conditions. This variant is present in population databases (no rsID available, gnomAD 0.003%). This sequence change replaces glutamic acid, which is acidic and polar, with alanine, which is neutral and non-polar, at codon 34184 of the TTN protein (p.Glu34184Ala).

Literature cited by the submitters: PubMed 25589632; PubMed 23975875.